The following is an entry in ClinVar:

ClinVar aggregate classification (germline): Uncertain significance. Review status: criteria provided, multiple submitters, no conflicts (2 of 4 stars). 2 submissions from 2 submitters: Uncertain significance (2). Last evaluated 2025-06-12.

Conditions:
Polycystic kidney disease 3 with or without polycystic liver disease. Also called: Polycystic kidney disease 3; Polycystic Kidney and/or Polycystic Liver Disease 3; POLYCYSTIC KIDNEY DISEASE, ADULT, TYPE III. Identifiers: MedGen C3887964, MONDO:0010916, OMIM 600666.

Allele frequency attached by ClinVar (database versions not stated): ExAC 0.00001; 1000 Genomes Project 0.00020; 1000 Genomes Project 30x 0.00031; gnomAD exomes below 0.00001; gnomAD 0.00001; TOPMed 0.00004.
gnomAD v4.1: 4 of 1,613,496 alleles (0.00025%); highest among the groups gnomAD compares: African/African-American, 0.004%; no homozygotes.

Submissions (2):

Labcorp Genetics (formerly Invitae), Labcorp
Classification: Uncertain significance. Last evaluated: 2025-06-12. Review status: criteria provided, single submitter. Criteria: Invitae Variant Classification Sherloc (09022015). Collection method: clinical testing. Allele origin: germline.
Comment: This sequence change replaces phenylalanine, which is neutral and non-polar, with cysteine, which is neutral and slightly polar, at codon 939 of the GANAB protein (p.Phe939Cys). This variant is present in population databases (rs570095749, gnomAD 0.01%). This variant has not been reported in the literature in individuals affected with GANAB-related conditions. ClinVar contains an entry for this variant (Variation ID: 2986323). An algorithm developed to predict the effect of missense changes on protein structure and function (PolyPhen-2) suggests that this variant is likely to be disruptive. In summary, the available evidence is currently insufficient to determine the role of this variant in disease. Therefore, it has been classified as a Variant of Uncertain Significance.

Fulgent Genetics
Classification: Uncertain significance for Polycystic kidney disease 3 with or without polycystic liver disease. Last evaluated: 2024-04-30. Review status: criteria provided, single submitter. Criteria: ACMG Guidelines, 2015. Collection method: clinical testing. Allele origin: germline.

NM_198334.3(GANAB):c.2750T>G (p.Phe917Cys)

Gene: GANAB (glucosidase II alpha subunit; minus strand). Cytogenetic location: 11q12.3.
Variant type: single nucleotide variant.
Coding change: c.2750T>G on transcript NM_198334.3 (MANE Select); coding-DNA position 2750, T replaced by G.
Protein change: p.Phe917Cys; replaces phenylalanine 917 with cysteine.
Molecular consequence: missense variant.
Genome position (GRCh38, 1-based): chr11:62,625,900, A>C on the plus strand (T>G on the coding strand, the complement: GANAB is on the minus strand). VCF-style: chr11-62625900-A-C. GRCh37 (hg19) VCF-style: chr11-62393372-A-C.
Other names: c.2474T>G, p.Phe825Cys (NM_001278192.2); c.2408T>G, p.Phe803Cys (NM_001278193.2); c.2459T>G, p.Phe820Cys (NM_001278194.2, NM_001329222.2, NM_001329223.2); c.2027T>G, p.Phe676Cys (NM_001329224.2, NM_001329225.2); c.2816T>G, p.Phe939Cys (NM_198335.4); short protein forms F676C, F825C, F917C, F803C, F820C, F939C.
Identifiers: ClinVar variation 2986323 (VCV002986323.4), dbSNP rs570095749, ClinGen allele CA6050328.